The following is an entry in ClinVar:

ClinVar aggregate classification (germline): Uncertain significance. Review status: criteria provided, multiple submitters, no conflicts (2 of 4 stars). 3 submissions from 3 submitters: Uncertain significance (3). Last evaluated 2024-10-01.

Conditions:
Inborn genetic diseases. Identifiers: MedGen C0950123, MeSH D030342.

Allele frequency attached by ClinVar (database versions not stated): gnomAD 0.00001; gnomAD exomes 0.00002; ExAC 0.00002; TOPMed 0.00005.
gnomAD v4.1: 25 of 1,614,030 alleles (0.0015%); highest among the groups gnomAD compares: Middle Eastern, 0.066%; no homozygotes.

Submissions (3):

Ambry Genetics
Classification: Uncertain significance for Inborn genetic diseases. Last evaluated: 2024-10-01. Review status: criteria provided, single submitter. Criteria: Ambry Variant Classification Scheme 2023. Collection method: clinical testing. Allele origin: germline.

GeneDx
Classification: Uncertain significance. Last evaluated: 2024-02-26. Review status: criteria provided, single submitter. Criteria: GeneDx Variant Classification Process June 2021. Collection method: clinical testing. Allele origin: germline. Affected: yes.
Comment: In silico analysis supports that this missense variant does not alter protein structure/function; Has not been previously published as pathogenic or benign to our knowledge

Labcorp Genetics (formerly Invitae), Labcorp
Classification: Uncertain significance. Last evaluated: 2023-08-10. Review status: criteria provided, single submitter. Criteria: Invitae Variant Classification Sherloc (09022015). Collection method: clinical testing. Allele origin: germline.
Comment: This sequence change replaces serine, which is neutral and polar, with asparagine, which is neutral and polar, at codon 2689 of the VPS13D protein (p.Ser2689Asn). In summary, the available evidence is currently insufficient to determine the role of this variant in disease. Therefore, it has been classified as a Variant of Uncertain Significance. Algorithms developed to predict the effect of sequence changes on RNA splicing suggest that this variant may disrupt the consensus splice site. Advanced modeling of protein sequence and biophysical properties (such as structural, functional, and spatial information, amino acid conservation, physicochemical variation, residue mobility, and thermodynamic stability) performed at Invitae indicates that this missense variant is not expected to disrupt VPS13D protein function. ClinVar contains an entry for this variant (Variation ID: 2055178). This variant has not been reported in the literature in individuals affected with VPS13D-related conditions. This variant is present in population databases (rs778392003, gnomAD 0.006%).

NM_015378.4(VPS13D):c.8066G>A (p.Ser2689Asn)

Gene: VPS13D (vacuolar protein sorting 13 homolog D; plus strand). Cytogenetic location: 1p36.22.
Variant type: single nucleotide variant.
Coding change: c.8066G>A on transcript NM_015378.4 (MANE Select); coding-DNA position 8066, G replaced by A.
Protein change: p.Ser2689Asn; replaces serine 2689 with asparagine.
Molecular consequence: missense variant.
Genome position (GRCh38, 1-based): chr1:12,327,723, G>A. VCF-style: chr1-12327723-G-A. GRCh37 (hg19) VCF-style: chr1-12387780-G-A.
Other names: c.8066G>A (NM_015378.2, NM_015378.3); c.8066G>A, p.Ser2689Asn (NM_018156.4); short protein forms S2689N.
Identifiers: ClinVar variation 2055178 (VCV002055178.6), dbSNP rs778392003, ClinGen allele CA603002.